The following is an entry in ClinVar:

NM_001206927.2(DNAH8):c.3246dup (p.Phe1083fs)

Gene: DNAH8 (dynein axonemal heavy chain 8; plus strand). Cytogenetic location: 6p21.2.
Variant type: Duplication.
Coding change: c.3246dup on transcript NM_001206927.2 (MANE Select); coding-DNA position 3246, one base duplicated (A; older notation c.3246dupA).
Protein change: p.Phe1083fs; shifts the reading frame from phenylalanine 1083.
Molecular consequence: frameshift variant.
Genome position (GRCh38, 1-based): chr6:38,807,705, A duplicated. VCF-style (leftmost placement, unchanged base first): chr6-38807704-T-TA. GRCh37 (hg19) VCF-style: chr6-38775480-T-TA.
Other names: c.2595dup, p.Phe866fs (NM_001371.4); short protein forms F866fs, F1083fs.
Identifiers: ClinVar variation 3679400 (VCV003679400.2).

ClinVar aggregate classification (germline): Pathogenic (1 of 4 stars; one submission).

Conditions:
Primary ciliary dyskinesia. Also called: Ciliary dyskinesia. Identifiers: Orphanet 244, MedGen C0008780, MONDO:0016575, HP:0012265.

Submission:

Labcorp Genetics (formerly Invitae), Labcorp
Classification: Pathogenic for Primary ciliary dyskinesia. Last evaluated: 2025-01-01. Review status: criteria provided, single submitter. Criteria: Invitae Variant Classification Sherloc (09022015). Collection method: clinical testing. Allele origin: germline.
Comment: This sequence change creates a premature translational stop signal (p.Phe1083Ilefs*21) in the DNAH8 gene. It is expected to result in an absent or disrupted protein product. Loss-of-function variants in DNAH8 are known to be pathogenic (PMID: 24307375, 32619401, 32681648). This variant is not present in population databases (gnomAD no frequency). This variant has not been reported in the literature in individuals affected with DNAH8-related conditions. For these reasons, this variant has been classified as Pathogenic.

Literature cited by the submitters: PubMed 24307375; PubMed 32619401; PubMed 32681648.